The following is an entry in ClinVar:

NM_000169.3(GLA):c.946del (p.Asp315_Val316insTer)

Genes: GLA (galactosidase alpha; minus strand), RPL36A-HNRNPH2 (RPL36A-HNRNPH2 readthrough; plus strand). Cytogenetic location: Xq22.1.
Variant type: Deletion.
Coding change: c.946del on transcript NM_000169.3 (MANE Select); coding-DNA position 946, one base deleted (G; older notation c.946delG).
Protein change: p.Asp315_Val316insTer.
Molecular consequence: nonsense. On other transcripts: non-coding transcript variant (3), intron variant (2).
Genome position (GRCh38, 1-based): chrX:101,398,423, C deleted on the plus strand (G on the coding strand, the reverse complement: GLA is on the minus strand). VCF-style (leftmost placement, unchanged base first): chrX-101398422-AC-A. GRCh37 (hg19) VCF-style: chrX-100653410-AC-A.
Other names: c.1069del, p.Asp356_Val357insTer (NM_001406747.1); c.946del, p.Asp315_Val316insTer (NM_001406748.1); c.300+2966del (NM_001199973.2); c.177+6601del (NM_001199974.2).
Identifiers: ClinVar variation 4087185 (VCV004087185.2), dbSNP rs869312450.
Genomic context (GRCh38, chrX:101,398,422, plus strand): 5'-TTATTTACCTGTCTAAGCTGGTACCCTTGCTTGCCCAAGGGGTCCTGATTGATGGCAATT[AC>A]GTCCTTATCCTGAAGGAGAGCTTTGGCTTGAGGGCTGATGTGTCGGAGGTCATTAGACAT-3'

ClinVar aggregate classification (germline): Pathogenic (1 of 4 stars; one submission).

Conditions:
Fabry disease. Also called: ALPHA-GALACTOSIDASE A DEFICIENCY; ANDERSON-FABRY DISEASE; CERAMIDE TRIHEXOSIDASE DEFICIENCY; GLA DEFICIENCY; HEREDITARY DYSTOPIC LIPIDOSIS; Angiokeratoma corporis diffusum. Identifiers: Orphanet 324, MedGen C0002986, MONDO:0010526, OMIM 301500, HP:0001071. Disease mechanism: Fabry disease is due to inactivating mutations in the X-linked GLA gene resulting in deficiency of the enzyme Alpha Galactosidase-A., loss of function.

Submission:

Genomenon, Inc
Classification: Pathogenic for Fabry disease. Last evaluated: 2026-09-08. Review status: criteria provided, single submitter. Criteria: Genomenon Sequence Variant Interpretation Standards - Updated. Collection method: curation. Allele origin: germline. Affected: yes.
Comment: GLA p.Val316Ter (c.946del) is a nonsense variant that introduces a premature stop codon at amino acid position 316 and is predicted to result in a truncated or absent protein product. This variant has been observed in at least one proband with clinical features consistent with Fabry disease (PMID:30371172;12668521;26362204;30477121;22187137;12920095;36140787). The variant was found to segregate with disease in at least one affected family (PMID:12668521;26362204;36140787). Functional or patient cell studies have been reported (PMID:30371172;22187137;26047621;12668521;31770509). It is absent or not present at a significant frequency in gnomAD. In conclusion, we classify GLA p.Val316Ter (c.946del) as a pathogenic variant.

Literature cited by the submitters: PubMed 30371172; PubMed 12668521; PubMed 26362204; PubMed 30477121; PubMed 22187137; PubMed 12920095; PubMed 36140787; PubMed 26047621; PubMed 31770509.